The following is an entry in ClinVar:

ClinVar aggregate classification (germline): Uncertain significance (1 of 4 stars; one submission).

Submission:

Labcorp Genetics (formerly Invitae), Labcorp
Classification: Uncertain significance. Last evaluated: 2025-12-17. Review status: criteria provided, single submitter. Criteria: Invitae Variant Classification Sherloc (09022015). Collection method: clinical testing. Allele origin: germline.
Comment: This sequence change replaces methionine, which is neutral and non-polar, with leucine, which is neutral and non-polar, at codon 2468 of the KMT2A protein (p.Met2468Leu). This variant is not present in population databases (gnomAD no frequency). This variant has not been reported in the literature in individuals affected with KMT2A-related conditions. ClinVar contains an entry for this variant (Variation ID: 1473735). Invitae Evidence Modeling of protein sequence and biophysical properties (such as structural, functional, and spatial information, amino acid conservation, physicochemical variation, residue mobility, and thermodynamic stability) indicates that this missense variant is not expected to disrupt KMT2A protein function with a negative predictive value of 95%. In summary, the available evidence is currently insufficient to determine the role of this variant in disease. Therefore, it has been classified as a Variant of Uncertain Significance.

NM_001197104.2(KMT2A):c.7402A>T (p.Met2468Leu)

Gene: KMT2A (lysine methyltransferase 2A; plus strand). Cytogenetic location: 11q23.3.
Variant type: single nucleotide variant.
Coding change: c.7402A>T on transcript NM_001197104.2 (MANE Select); coding-DNA position 7402, A replaced by T.
Protein change: p.Met2468Leu; replaces methionine 2468 with leucine.
Molecular consequence: missense variant.
Genome position (GRCh38, 1-based): chr11:118,503,294, A>T. VCF-style: chr11-118503294-A-T. GRCh37 (hg19) VCF-style: chr11-118374009-A-T.
Other names: c.7393A>T, p.Met2465Leu (NM_005933.4); short protein forms M2465L, M2468L.
Identifiers: ClinVar variation 1473735 (VCV001473735.8), dbSNP rs2134391697, ClinGen allele CA382805425.